The following is an entry in ClinVar:

ClinVar aggregate classification (germline): Uncertain significance. Review status: criteria provided, multiple submitters, no conflicts (2 of 4 stars). 2 submissions from 2 submitters: Uncertain significance (2). Last evaluated 2023-11-28.

Conditions:
Hereditary sensory and autonomic neuropathy type 6. Also called: Neuropathy, hereditary sensory and autonomic, type VI; HSAN VI. Identifiers: Orphanet 314381, MedGen C3539003, MONDO:0013839, OMIM 614653.
Epidermolysis bullosa simplex 3, localized or generalized intermediate, with BP230 deficiency (EBS3). Also called: Epidermolysis bullosa simplex due to BP230 deficiency; Epidermolysis bullosa simplex, autosomal recessive 2. Identifiers: Orphanet 412181, MedGen C3809470, MONDO:0014180, OMIM 615425.
Inborn genetic diseases. Identifiers: MedGen C0950123, MeSH D030342.

Allele frequency attached by ClinVar (database versions not stated): gnomAD 0.00002 and 0.00004; gnomAD exomes 0.00002 and 0.00006; TOPMed 0.00002; ExAC 0.00007.
gnomAD v4.1: 41 of 1,613,946 alleles (0.0025%); highest among the groups gnomAD compares: South Asian, 0.032%; 1 homozygote.

Submissions (2):

Labcorp Genetics (formerly Invitae), Labcorp
Classification: Uncertain significance for Epidermolysis bullosa simplex 3, localized or generalized intermediate, with BP230 deficiency; Hereditary sensory and autonomic neuropathy type 6. Last evaluated: 2023-11-28. Review status: criteria provided, single submitter. Criteria: Invitae Variant Classification Sherloc (09022015). Collection method: clinical testing. Allele origin: germline.
Comment: This sequence change replaces alanine, which is neutral and non-polar, with valine, which is neutral and non-polar, at codon 588 of the DST protein (p.Ala588Val). This variant is present in population databases (rs766653025, gnomAD 0.03%). This variant has not been reported in the literature in individuals affected with DST-related conditions. ClinVar contains an entry for this variant (Variation ID: 1050899). An algorithm developed to predict the effect of missense changes on protein structure and function (PolyPhen-2) suggests that this variant is likely to be disruptive. In summary, the available evidence is currently insufficient to determine the role of this variant in disease. Therefore, it has been classified as a Variant of Uncertain Significance.

Ambry Genetics
Classification: Uncertain significance for Inborn genetic diseases. Last evaluated: 2022-12-16. Review status: criteria provided, single submitter. Criteria: Ambry Variant Classification Scheme 2023. Collection method: clinical testing. Allele origin: germline.

NM_001374736.1(DST):c.3374C>T (p.Ala1125Val)

Gene: DST (dystonin; minus strand). Cytogenetic location: 6p12.1.
Variant type: single nucleotide variant.
Coding change: c.3374C>T on transcript NM_001374736.1 (MANE Select); coding-DNA position 3374, C replaced by T.
Protein change: p.Ala1125Val; replaces alanine 1125 with valine.
Molecular consequence: missense variant.
Genome position (GRCh38, 1-based): chr6:56,634,582, G>A on the plus strand (C>T on the coding strand, the complement: DST is on the minus strand). VCF-style: chr6-56634582-G-A. GRCh37 (hg19) VCF-style: chr6-56499380-G-A.
Other names: c.3275C>T (NM_001144769.2); c.3275C>T, p.Ala1092Val (NM_001144769.5); c.2861C>T, p.Ala954Val (NM_001144770.2); c.3374C>T, p.Ala1125Val (NM_001374722.1); c.2741C>T, p.Ala914Val (NM_001374729.1, NM_001374730.1, NM_001386100.1 and 1 more transcripts); c.3401C>T, p.Ala1134Val (NM_001374734.1); c.1763C>T, p.Ala588Val (NM_001723.7, NM_015548.5); short protein forms A1092V, A1125V, A1134V, A588V, A914V, A954V.
Identifiers: ClinVar variation 1050899 (VCV001050899.10), dbSNP rs766653025, ClinGen allele CA3871170.